The following is an entry in ClinVar:

NM_020975.6(RET):c.2531G>T (p.Arg844Leu)

Gene: RET (ret proto-oncogene; plus strand). Cytogenetic location: 10q11.21.
Variant type: single nucleotide variant.
Coding change: c.2531G>T on transcript NM_020975.6 (MANE Select); coding-DNA position 2531, G replaced by T.
Protein change: p.Arg844Leu; replaces arginine 844 with leucine.
Molecular consequence: missense variant.
Genome position (GRCh38, 1-based): chr10:43,119,669, G>T. VCF-style: chr10-43119669-G-T. GRCh37 (hg19) VCF-style: chr10-43615117-G-T.
Other names: c.2531G>T, p.Arg844Leu (NM_000323.2, NM_001406743.1, NM_001406744.1 and 4 more transcripts); c.1769G>T, p.Arg590Leu (NM_001355216.2); c.2402G>T, p.Arg801Leu (NM_001406761.1, NM_001406762.1, NM_001406764.1); c.2396G>T, p.Arg799Leu (NM_001406763.1, NM_001406765.1); c.2243G>T, p.Arg748Leu (NM_001406766.1, NM_001406767.1, NM_001406770.1); c.2267G>T, p.Arg756Leu (NM_001406768.1); c.2135G>T, p.Arg712Leu (NM_001406769.1, NM_001406772.1); c.2093G>T, p.Arg698Leu (NM_001406771.1, NM_001406773.1); and 10 more; short protein forms R844L, R590L, R502L, R514L, R669L, R698L, R799L, R801L.
Identifiers: ClinVar variation 24952 (VCV000024952.18), dbSNP rs55947360, ClinGen allele CA008885.

ClinVar aggregate classification (germline): Uncertain significance. Review status: criteria provided, multiple submitters, no conflicts (2 of 4 stars). 7 submissions from 6 submitters: Uncertain significance (5). 2 of the submissions do not count toward it. Last evaluated 2025-12-08.

Conditions:
Hereditary cancer-predisposing syndrome. Also called: Neoplastic Syndromes, Hereditary; Tumor predisposition; Hereditary Cancer Syndrome; Hereditary neoplastic syndrome. Identifiers: Orphanet 140162, MedGen C0027672, MeSH D009386, MONDO:0015356.
Multiple endocrine neoplasia, type 2 (MEN2). Identifiers: Orphanet 653, MedGen C4048306, MONDO:0019003. Disease mechanism: gain of function.
Multiple endocrine neoplasia type 2B. Also called: MULTIPLE ENDOCRINE NEOPLASIA, TYPE IIB; Multiple endocrine neoplasia, type 3; MEN 2B; WAGENMANN-FROBOESE SYNDROME; MULTIPLE ENDOCRINE NEOPLASIA, TYPE III; MUCOSAL NEUROMA SYNDROME. Identifiers: Orphanet 247709, Orphanet 653, MedGen C0025269, MeSH D018814, MONDO:0008082, OMIM 162300.
Multiple endocrine neoplasia type 2A. Also called: MULTIPLE ENDOCRINE NEOPLASIA, TYPE IIA; PTC SYNDROME; SIPPLE SYNDROME; MEN 2A; MEN-2A syndrome; Pheochromocytoma and amyloid producing medullary thyroid carcinoma. Identifiers: Orphanet 247698, Orphanet 653, MedGen C0025268, MeSH D018813, MONDO:0008234, OMIM 171400.

gnomAD v4.1: 8 of 1,613,272 alleles (0.0005%); highest among the groups gnomAD compares: Non-Finnish European, 0.00068%; no homozygotes.

Submissions (7):

Labcorp Genetics (formerly Invitae), Labcorp
Classification: Uncertain significance for Multiple endocrine neoplasia, type 2. Last evaluated: 2025-12-08. Review status: criteria provided, single submitter. Criteria: Invitae Variant Classification Sherloc (09022015). Collection method: clinical testing. Allele origin: germline.
Comment: This sequence change replaces arginine, which is basic and polar, with leucine, which is neutral and non-polar, at codon 844 of the RET protein (p.Arg844Leu). This variant is present in population databases (rs55947360, gnomAD 0.002%). This missense change has been observed in individual(s) with medullary thyroid cancer (PMID: 10826520, 28946813). ClinVar contains an entry for this variant (Variation ID: 24952). An algorithm developed to predict the effect of missense changes on protein structure and function (PolyPhen-2) suggests that this variant is likely to be disruptive. In summary, the available evidence is currently insufficient to determine the role of this variant in disease. Therefore, it has been classified as a Variant of Uncertain Significance.

Women's Health and Genetics/Laboratory Corporation of America, LabCorp
Classification: Uncertain significance. Last evaluated: 2025-10-09. Review status: criteria provided, single submitter. Criteria: LabCorp Variant Classification Summary - May 2015. Collection method: clinical testing. Allele origin: germline.
Comment: Variant summary: RET c.2531G>T (p.Arg844Leu) results in a non-conservative amino acid change in the encoded protein sequence. Algorithms developed to predict the effect of missense changes on protein structure and function all suggest that this variant is likely to be disruptive. The variant allele was found at a frequency of 4e-06 in 250724 control chromosomes. The available data on variant occurrences in the general population are insufficient to allow any conclusion about variant significance. c.2531G>T has been observed in individual(s) affected with familial medullary thyroid cancer; however, these individuals also carried another pathogenic RET mutation, p.V804M (example: Bartsch_2000, Lebeault_2017). These report(s) do not provide unequivocal conclusions about association of the variant with Multiple Endocrine Neoplasia Type 2/Familial Medullary Thyroid Carcinoma. To our knowledge, no experimental evidence demonstrating an impact on protein function has been reported. The following publications have been ascertained in the context of this evaluation (PMID: 10826520, 21479187, 28946813, 35534704). ClinVar contains an entry for this variant (Variation ID: 24952). Based on the evidence outlined above, the variant was classified as uncertain significance.

All of Us Research Program, National Institutes of Health
Classification: Uncertain significance for Multiple endocrine neoplasia, type 2. Last evaluated: 2024-06-09. Review status: criteria provided, single submitter. Criteria: ACMG Guidelines, 2015. Collection method: clinical testing. Allele origin: germline. Inheritance: Autosomal dominant inheritance. Observed: 1 variant allele, 1 heterozygote.
Comment: This missense variant replaces arginine with leucine at codon 844 of the RET protein. Computational prediction suggests that this variant may have deleterious impact on protein structure and function (internally defined REVEL score threshold >= 0.7, PMID: 27666373). To our knowledge, functional studies have not been reported for this variant. This variant has been reported in cis with a deleterious RET p.Val804Met covariant in a familial medullary thyroid cancer family (PMID: 10826520) and has been speculated to be a modifier of the p.Val804Met covariant (PMID: 21655256). This variant has been identified in 2/282062 chromosomes in the general population by the Genome Aggregation Database (gnomAD). The available evidence is insufficient to determine the role of this variant in disease conclusively. Therefore, this variant is classified as a Variant of Uncertain Significance.

This study involves interpretation of variants in research participants for the purpose of population health screening. Participant phenotype was not available at the time of variant classification. Additional details can be found in publication PMID: 35346344, PMCID: PMC8962531

Ambry Genetics
Classification: Uncertain significance for Hereditary cancer-predisposing syndrome. Last evaluated: 2024-03-14. Review status: criteria provided, single submitter. Criteria: Ambry Variant Classification Scheme 2023. Collection method: clinical testing. Allele origin: germline.
Comment: The p.R844L variant (also known as c.2531G>T), located in coding exon 14 of the RET gene, results from a G to T substitution at nucleotide position 2531. The arginine at codon 844 is replaced by leucine, an amino acid with dissimilar properties. This alteration has been reported in individuals with familial medullary thyroid cancer; however, these individuals also carried another RET mutation, p.V804M (Bartsch DK et al. Exp Clin Endocrinol Diabetes 2000 ;108(2):128-32; Lebeault M et al. Thyroid 2017 12;27(12):1511-1522). This amino acid position is highly conserved in available vertebrate species. In addition, this alteration is predicted to be deleterious by in silico analysis. Based on the available evidence, the clinical significance of this alteration remains unclear.

Myriad Genetics, Inc.
Classification: Uncertain significance for Multiple endocrine neoplasia type 2A. Last evaluated: 2023-04-18. Review status: criteria provided, single submitter. Criteria: Myriad Autosomal Dominant, Autosomal Recessive and X-Linked Classification Criteria (2023). Collection method: clinical testing. Allele origin: unknown.
Comment: This variant is classified as a variant of uncertain significance as there is insufficient evidence to determine its impact on protein function and/or cancer risk.

Counsyl
Classification: Uncertain significance for Multiple endocrine neoplasia type 2B. Last evaluated: 2016-09-20. Review status: no assertion criteria provided. Collection method: clinical testing. Allele origin: unknown. Not counted in ClinVar's aggregate classification.

Counsyl
Classification: Uncertain significance for Multiple endocrine neoplasia type 2A. Last evaluated: 2016-09-20. Review status: no assertion criteria provided. Collection method: clinical testing. Allele origin: unknown. Not counted in ClinVar's aggregate classification.

Literature cited by the submitters: PubMed 10826520 (cited by 4 submitters); PubMed 28946813 (cited by Labcorp Genetics (formerly Invitae), Labcorp and Women's Health and Genetics/Laboratory Corporation of America, LabCorp); PubMed 21479187 (cited by Women's Health and Genetics/Laboratory Corporation of America, LabCorp); PubMed 35534704 (cited by Women's Health and Genetics/Laboratory Corporation of America, LabCorp); PubMed 21655256 (cited by All of Us Research Program, National Institutes of Health).